The following is an entry in ClinVar:

ClinVar aggregate classification (germline): Benign/Likely benign. Review status: criteria provided, multiple submitters, no conflicts (2 of 4 stars). 4 submissions from 4 submitters: Benign (1); Likely benign (2). 1 of the submissions does not count toward it. Last evaluated 2026-01-19.

Conditions:
SLC6A19-related disorder. Also called: SLC6A19-related condition.
Neutral 1 amino acid transport defect (HND). Also called: Hartnup disease; HARTNUP DISORDER. Identifiers: Orphanet 2116, MedGen C0018609, MONDO:0009324, OMIM 234500.
Iminoglycinuria. Identifiers: Orphanet 42062, MedGen C0268654, MONDO:0009448, OMIM 242600.
Hyperglycinuria. Also called: GLYCINURIA WITH OR WITHOUT OXALATE NEPHROLITHIASIS; GLYCINURIA WITH OR WITHOUT OXALATE UROLITHIASIS; IMINOGLYCINURIA TYPE II. Identifiers: MedGen C0543541, MONDO:0007677, OMIM 138500, HP:0003108.

Allele frequency attached by ClinVar (database versions not stated): TOPMed 0.00200; 1000 Genomes Project 0.00399; gnomAD 0.00197; ESP Exome Variant Server 0.00200; 1000 Genomes Project 30x 0.00422.
gnomAD v4.1: 636 of 1,612,802 alleles (0.039%); highest among the groups gnomAD compares: African/African-American, 0.65%; 4 homozygotes.

Submissions (4):

Labcorp Genetics (formerly Invitae), Labcorp
Classification: Benign. Last evaluated: 2026-01-19. Review status: criteria provided, single submitter. Criteria: Invitae Variant Classification Sherloc (09022015). Collection method: clinical testing. Allele origin: germline.

Blueprint Genetics
Classification: Likely benign. Last evaluated: 2024-08-21. Review status: criteria provided, single submitter. Criteria: ACMG Guidelines, 2015. Collection method: clinical testing. Allele origin: germline.

Fulgent Genetics
Classification: Likely benign for Hyperglycinuria; Neutral 1 amino acid transport defect; Iminoglycinuria. Last evaluated: 2021-09-03. Review status: criteria provided, single submitter. Criteria: ACMG Guidelines, 2015. Collection method: clinical testing. Allele origin: unknown.

PreventionGenetics, part of Exact Sciences
Classification: Likely benign for SLC6A19-related condition. Last evaluated: 2020-01-24. Review status: no assertion criteria provided. Collection method: clinical testing. Allele origin: germline. Not counted in ClinVar's aggregate classification.
Comment: This variant is classified as likely benign based on ACMG/AMP sequence variant interpretation guidelines (Richards et al. 2015 PMID: 25741868, with internal and published modifications).

NM_001003841.3(SLC6A19):c.117G>A (p.Ala39=)

Gene: SLC6A19 (solute carrier family 6 member 19; plus strand). Cytogenetic location: 5p15.33.
Variant type: single nucleotide variant.
Coding change: c.117G>A on transcript NM_001003841.3 (MANE Select); coding-DNA position 117, G replaced by A.
Protein change: p.Ala39=; no amino-acid change (alanine 39 retained).
Molecular consequence: synonymous variant.
Genome position (GRCh38, 1-based): chr5:1,201,767, G>A. VCF-style: chr5-1201767-G-A. GRCh37 (hg19) VCF-style: chr5-1201882-G-A.
Identifiers: ClinVar variation 767990 (VCV000767990.14), dbSNP rs149830504, ClinGen allele CA3182569.